The following is an entry in ClinVar:

ClinVar aggregate classification (germline): not provided (0 of 4 stars; one submission).

Submission:

ZMPSTE24 homepage - Leiden Muscular Dystrophy pages
No classification provided. Review status: no classification provided. Collection method: not provided. Allele origin: germline.
Comment: has functional consequence

NM_005857.5(ZMPSTE24):c.209_210del (p.Tyr70fs)

Gene: ZMPSTE24 (zinc metallopeptidase STE24; plus strand). Cytogenetic location: 1p34.2.
Variant type: Deletion.
Coding change: c.209_210del on transcript NM_005857.5 (MANE Select); coding-DNA positions 209 to 210, 2 bases deleted (AT; older notation c.209_210delAT).
Protein change: p.Tyr70fs; shifts the reading frame from tyrosine 70.
Molecular consequence: frameshift variant.
Genome position (GRCh38, 1-based): chr1:40,260,924-40,260,925, AT deleted; deleting any 2 consecutive bases within chr1:40,260,923-40,260,925 gives the same sequence; the c. name uses the placement nearest the transcript's 3' end. VCF-style (leftmost placement, unchanged base first): chr1-40260922-CTA-C. GRCh37 (hg19) VCF-style: chr1-40726594-CTA-C.
Other names: c.209_210del (LRG_212t1); short protein forms Y70fs.
Identifiers: ClinVar variation 140522 (VCV000140522.1), dbSNP rs281875363, ClinGen allele CA232742.
Genomic context (GRCh38, chr1:40,260,922, plus strand): 5'-TCATGTACCACCGGAGTTAGGACAGATCATGGATTCTGAAACATTTGAGAAATCTCGACT[CTA>C]TCAACTGGATAAAAGCACTTTCAGCTTCTGGTCAGGACTCTATTCAGAGACTGAAGGCAC-3'